The following is an entry in ClinVar:

ClinVar aggregate classification (germline): Conflicting classifications of pathogenicity. Review status: criteria provided, conflicting classifications (1 of 4 stars). 4 submissions from 4 submitters: Uncertain significance (2); Likely benign (2). Last evaluated 2025-04-17.

Conditions:
Hereditary breast ovarian cancer syndrome. Also called: Hereditary breast and ovarian cancer syndrome (HBOC); BRCA1- and BRCA2-Associated Hereditary Breast and Ovarian Cancer; Hereditary breast and ovarian cancer syndrome; Breast and ovarian cancer; Hereditary breast and ovarian cancer; Hereditary breast and/or ovarian cancer syndrome. Identifiers: Orphanet 145, MedGen C0677776, MeSH D061325, MONDO:0003582. Disease mechanism: loss of function.
Hereditary cancer-predisposing syndrome. Also called: Hereditary neoplastic syndrome; Neoplastic Syndromes, Hereditary; Tumor predisposition; Hereditary Cancer Syndrome. Identifiers: Orphanet 140162, MedGen C0027672, MeSH D009386, MONDO:0015356.
Familial cancer of breast. Also called: BREAST CANCER, FAMILIAL; hereditary breast carcinoma; Hereditary breast cancer. Identifiers: Orphanet 227535, MedGen C0346153, MONDO:0016419, OMIM 114480. Disease mechanism: loss of function.

Allele frequency attached by ClinVar (database versions not stated): gnomAD 0.00001.

Submissions (4):

Ambry Genetics
Classification: Uncertain significance for Hereditary cancer-predisposing syndrome. Last evaluated: 2025-04-17. Review status: criteria provided, single submitter. Criteria: Ambry Variant Classification Scheme 2023. Collection method: clinical testing. Allele origin: germline.
Comment: The p.L320P variant (also known as c.959T>C), located in coding exon 9 of the BRCA2 gene, results from a T to C substitution at nucleotide position 959. The leucine at codon 320 is replaced by proline, an amino acid with similar properties. This amino acid position is not well conserved in available vertebrate species. In addition, this alteration is predicted to be tolerated by in silico analysis. Since supporting evidence is limited at this time, the clinical significance of this alteration remains unclear.

MGZ Medical Genetics Center
Classification: Likely benign for Familial cancer of breast. Last evaluated: 2024-02-09. Review status: criteria provided, single submitter. Criteria: CSpec BRCA1/2ACMG Rules Specifications V1.1.0. Collection method: clinical testing. Allele origin: germline. Affected: yes.
Comment: ACMG codes applied following ENIGMA VCEP rules: BP1_STR, PM2_SUP

University of Washington Department of Laboratory Medicine, University of Washington
Classification: Likely benign for Hereditary cancer-predisposing syndrome. Last evaluated: 2023-03-23. Review status: criteria provided, single submitter. Criteria: Dines et al. (Genet Med. 2020). Collection method: curation. Allele origin: germline.
Comment: Missense variant in a coldspot region where missense variants are very unlikely to be pathogenic (PMID:31911673).

BRCA2 exon 10 coldspot. Reclassification based on statistical prior probability.

Labcorp Genetics (formerly Invitae), Labcorp
Classification: Uncertain significance for Hereditary breast ovarian cancer syndrome. Last evaluated: 2017-12-15. Review status: criteria provided, single submitter. Criteria: Invitae Variant Classification Sherloc (09022015). Collection method: clinical testing. Allele origin: germline.
Comment: This sequence change replaces leucine with proline at codon 320 of the BRCA2 protein (p.Leu320Pro). The leucine residue is highly conserved and there is a moderate physicochemical difference between leucine and proline. This variant is not present in population databases (ExAC no frequency). This variant has not been reported in the literature in individuals with BRCA2-related disease. Algorithms developed to predict the effect of missense changes on protein structure and function do not agree on the potential impact of this missense change (SIFT: "Tolerated"; PolyPhen-2: "Probably Damaging"; Align-GVGD: "Class C0"). In summary, the available evidence is currently insufficient to determine the role of this variant in disease. Therefore, it has been classified as a Variant of Uncertain Significance.

NM_000059.4(BRCA2):c.959T>C (p.Leu320Pro)

Gene: BRCA2 (BRCA2 DNA repair associated; plus strand). Cytogenetic location: 13q13.1.
Variant type: single nucleotide variant.
Coding change: c.959T>C on transcript NM_000059.4 (MANE Select); coding-DNA position 959, T replaced by C.
Protein change: p.Leu320Pro; replaces leucine 320 with proline.
Molecular consequence: missense variant.
Genome position (GRCh38, 1-based): chr13:32,332,437, T>C. VCF-style: chr13-32332437-T-C. GRCh37 (hg19) VCF-style: chr13-32906574-T-C.
Other names: short protein forms L320P.
Identifiers: ClinVar variation 531350 (VCV000531350.15), dbSNP rs1334767632, ClinGen allele CA387760880.